The following is an entry in ClinVar:

ClinVar aggregate classification (germline): Likely benign (1 of 4 stars; one submission).

Submission:

CeGaT Center for Human Genetics Tuebingen
Classification: Likely benign. Last evaluated: 2022-07-01. Review status: criteria provided, single submitter. Criteria: CeGaT Center For Human Genetics Tuebingen Variant Classification Criteria Version 2. Collection method: clinical testing. Allele origin: germline. Affected: yes. Observed: 1 variant allele.
Comment: SLC26A3: PM2:Supporting, BP4, BP7

NM_000111.3(SLC26A3):c.447C>G (p.Val149=)

Gene: SLC26A3 (solute carrier family 26 member 3; minus strand). Cytogenetic location: 7q22.3.
Variant type: single nucleotide variant.
Coding change: c.447C>G on transcript NM_000111.3 (MANE Select); coding-DNA position 447, C replaced by G.
Protein change: p.Val149=; no amino-acid change (valine 149 retained).
Molecular consequence: synonymous variant.
Genome position (GRCh38, 1-based): chr7:107,791,171, G>C on the plus strand (C>G on the coding strand, the complement: SLC26A3 is on the minus strand). VCF-style: chr7-107791171-G-C. GRCh37 (hg19) VCF-style: chr7-107431616-G-C.
Identifiers: ClinVar variation 2657932 (VCV002657932.24), dbSNP rs1290524558, ClinGen allele CA457109300.